The following is an entry in ClinVar:

ClinVar aggregate classification (germline): Uncertain significance (1 of 4 stars; one submission).

Conditions:
MEGF8-related disorder. Also called: MEGF8-related condition.

Submission:

PreventionGenetics, part of Exact Sciences
Classification: Uncertain significance for MEGF8-related condition. Last evaluated: 2024-10-30. Review status: criteria provided, single submitter. Criteria: ACMG Guidelines, 2015. Collection method: clinical testing. Allele origin: germline.
Comment: The MEGF8 c.2338T>C variant is predicted to result in the amino acid substitution p.Ser780Pro. To our knowledge, this variant has not been reported in the literature or in a large population database (gnomAD), indicating this variant is rare. At this time, the clinical significance of this variant is uncertain due to the absence of conclusive functional and genetic evidence.

NM_001271938.2(MEGF8):c.2539T>C (p.Ser847Pro)

Gene: MEGF8 (multiple EGF like domains 8; plus strand). Cytogenetic location: 19q13.2.
Variant type: single nucleotide variant.
Coding change: c.2539T>C on transcript NM_001271938.2 (MANE Select); coding-DNA position 2539, T replaced by C.
Protein change: p.Ser847Pro; replaces serine 847 with proline.
Molecular consequence: missense variant.
Genome position (GRCh38, 1-based): chr19:42,350,187, T>C. VCF-style: chr19-42350187-T-C. GRCh37 (hg19) VCF-style: chr19-42854339-T-C.
Other names: c.2338T>C, p.Ser780Pro (NM_001410.3); short protein forms S780P, S847P.
Identifiers: ClinVar variation 5000469 (VCV005000469.1).
Genomic context (GRCh38, chr19:42,350,187, plus strand): 5'-TTCCTGTGACCCCTTCCCCAGGAGATCTCCTTCTTCTTCCTGGAGCCCTACCGCTCGTCG[T>C]CCTGCACCTCCTATTCTTCCTGCCTGGGCTGCTTGGCAGACCAGGGCTGTGGCTGGTGCC-3'
Protein context (NP_001258867.1, residues 837-857): FFFLEPYRSS[Ser847Pro]CTSYSSCLGC